The following is an entry in ClinVar:

ClinVar aggregate classification (germline): Uncertain significance (1 of 4 stars; one submission).

Conditions:
Inborn genetic diseases. Identifiers: MedGen C0950123, MeSH D030342.

Submission:

Ambry Genetics
Classification: Uncertain significance for Inborn genetic diseases. Last evaluated: 2020-12-28. Review status: criteria provided, single submitter. Criteria: Ambry Variant Classification Scheme 2023. Collection method: clinical testing. Allele origin: germline.
Comment: The c.358A>T (p.T120S) alteration is located in exon 3 (coding exon 3) of the PPARG gene. This alteration results from a A to T substitution at nucleotide position 358, causing the threonine (T) at amino acid position 120 to be replaced by a serine (S). The p.T120S alteration is predicted to be tolerated by in silico analysis. Based on insufficient or conflicting evidence, the clinical significance of this alteration remains unclear.

NM_138711.6(PPARG):c.268A>T (p.Thr90Ser)

Gene: PPARG (peroxisome proliferator activated receptor gamma; plus strand). Cytogenetic location: 3p25.2.
Variant type: single nucleotide variant.
Coding change: c.268A>T on transcript NM_138711.6 (MANE Select); coding-DNA position 268, A replaced by T.
Protein change: p.Thr90Ser; replaces threonine 90 with serine.
Molecular consequence: missense variant. On other transcripts: 5 prime UTR variant (1).
Genome position (GRCh38, 1-based): chr3:12,381,369, A>T. VCF-style: chr3-12381369-A-T. GRCh37 (hg19) VCF-style: chr3-12422868-A-T.
Other names: c.268A>T, p.Thr90Ser (NM_001330615.4, NM_001354666.3, NM_001354667.3 and 6 more transcripts); c.358A>T, p.Thr120Ser (NM_001354668.2, NM_001374265.1, NM_015869.5); c.-160A>T (NM_001354669.2); c.274A>T, p.Thr92Ser (NM_001354670.2, NM_001374266.1); short protein forms T90S, T120S, T92S.
Identifiers: ClinVar variation 2228309 (VCV002228309.2), dbSNP rs2470895321, ClinGen allele CA351617946.